The following is an entry in ClinVar:

NM_000755.5(CRAT):c.1070A>G (p.Tyr357Cys)

Gene: CRAT (carnitine O-acetyltransferase; minus strand). Cytogenetic location: 9q34.11.
Variant type: single nucleotide variant.
Coding change: c.1070A>G on transcript NM_000755.5 (MANE Select); coding-DNA position 1070, A replaced by G.
Protein change: p.Tyr357Cys; replaces tyrosine 357 with cysteine.
Molecular consequence: missense variant.
Genome position (GRCh38, 1-based): chr9:129,099,881, T>C on the plus strand (A>G on the coding strand, the complement: CRAT is on the minus strand). VCF-style: chr9-129099881-T-C. GRCh37 (hg19) VCF-style: chr9-131862160-T-C.
Other names: c.1007A>G, p.Tyr336Cys (NM_001257363.3, NM_001346548.2, NM_004003.4); c.1073A>G, p.Tyr358Cys (NM_001346546.2); c.1070A>G, p.Tyr357Cys (NM_001346547.2); c.950A>G, p.Tyr317Cys (NM_001346549.2); short protein forms Y357C, Y358C, Y317C, Y336C.
Identifiers: ClinVar variation 2877094 (VCV002877094.3), dbSNP rs2490736940, ClinGen allele CA375141875.

ClinVar aggregate classification (germline): Uncertain significance (1 of 4 stars; one submission).

Submission:

Labcorp Genetics (formerly Invitae), Labcorp
Classification: Uncertain significance. Last evaluated: 2024-01-29. Review status: criteria provided, single submitter. Criteria: Invitae Variant Classification Sherloc (09022015). Collection method: clinical testing. Allele origin: germline.
Comment: This sequence change replaces tyrosine, which is neutral and polar, with cysteine, which is neutral and slightly polar, at codon 357 of the CRAT protein (p.Tyr357Cys). This variant is not present in population databases (gnomAD no frequency). This variant has not been reported in the literature in individuals affected with CRAT-related conditions. Advanced modeling of protein sequence and biophysical properties (such as structural, functional, and spatial information, amino acid conservation, physicochemical variation, residue mobility, and thermodynamic stability) performed at Invitae indicates that this missense variant is not expected to disrupt CRAT protein function with a negative predictive value of 80%. In summary, the available evidence is currently insufficient to determine the role of this variant in disease. Therefore, it has been classified as a Variant of Uncertain Significance.